The following is an entry in ClinVar:

ClinVar aggregate classification (germline): Uncertain significance (1 of 4 stars; one submission).

Conditions:
Perlman syndrome (PRLMNS). Identifiers: Orphanet 2849, MedGen C0796113, MONDO:0009965, OMIM 267000.

Allele frequency attached by ClinVar (database versions not stated): TOPMed 0.00001.
gnomAD v4.1: 4 of 1,614,046 alleles (0.00025%); highest among the groups gnomAD compares: Non-Finnish European, 0.00025%; no homozygotes.

Submission:

Labcorp Genetics (formerly Invitae), Labcorp
Classification: Uncertain significance for Perlman syndrome. Last evaluated: 2025-07-09. Review status: criteria provided, single submitter. Criteria: Invitae Variant Classification Sherloc (09022015). Collection method: clinical testing. Allele origin: germline.
Comment: This sequence change replaces arginine, which is basic and polar, with serine, which is neutral and polar, at codon 540 of the DIS3L2 protein (p.Arg540Ser). This variant is not present in population databases (gnomAD no frequency). This variant has not been reported in the literature in individuals affected with DIS3L2-related conditions. ClinVar contains an entry for this variant (Variation ID: 958358). Invitae Evidence Modeling of protein sequence and biophysical properties (such as structural, functional, and spatial information, amino acid conservation, physicochemical variation, residue mobility, and thermodynamic stability) indicates that this missense variant is expected to disrupt DIS3L2 protein function with a positive predictive value of 80%. In summary, the available evidence is currently insufficient to determine the role of this variant in disease. Therefore, it has been classified as a Variant of Uncertain Significance.

NM_152383.5(DIS3L2):c.1618C>A (p.Arg540Ser)

Gene: DIS3L2 (DIS3 like 3'-5' exoribonuclease 2; plus strand). Cytogenetic location: 2q37.1.
Variant type: single nucleotide variant.
Coding change: c.1618C>A on transcript NM_152383.5 (MANE Select); coding-DNA position 1618, C replaced by A.
Protein change: p.Arg540Ser; replaces arginine 540 with serine.
Molecular consequence: missense variant. On other transcripts: non-coding transcript variant (2), intron variant (1).
Genome position (GRCh38, 1-based): chr2:232,263,399, C>A. VCF-style: chr2-232263399-C-A. GRCh37 (hg19) VCF-style: chr2-233128109-C-A.
Other names: c.1581+37C>A (NM_001257281.2); short protein forms R540S.
Identifiers: ClinVar variation 958358 (VCV000958358.9), dbSNP rs573031156, ClinGen allele CA66901569.